The following is an entry in ClinVar:

ClinVar aggregate classification (germline): Uncertain significance (1 of 4 stars; one submission).

gnomAD v4.1: 1 of 1,613,922 alleles (0.000062%); highest among the groups gnomAD compares: Admixed American, 0.0017%; no homozygotes.

Submission:

Ambry Genetics
Classification: Uncertain significance. Last evaluated: 2025-06-03. Review status: criteria provided, single submitter. Criteria: Ambry Variant Classification Scheme 2023. Collection method: clinical testing. Allele origin: germline.
Comment: The p.G613E variant (also known as c.1838G>A), located in coding exon 1 of the TET2 gene, results from a G to A substitution at nucleotide position 1838. The glycine at codon 613 is replaced by glutamic acid, an amino acid with similar properties. This amino acid position is conserved. In addition, this alteration is predicted to be tolerated by in silico analysis. Based on the available evidence, the clinical significance of this variant remains unclear.

NM_001127208.3(TET2):c.1838G>A (p.Gly613Glu)

Genes: TET2 (tet methylcytosine dioxygenase 2; plus strand), TET2-AS1 (TET2 antisense RNA 1; minus strand). Cytogenetic location: 4q24.
Variant type: single nucleotide variant.
Coding change: c.1838G>A on transcript NM_001127208.3 (MANE Select); coding-DNA position 1838, G replaced by A.
Protein change: p.Gly613Glu; replaces glycine 613 with glutamic acid.
Molecular consequence: missense variant.
Genome position (GRCh38, 1-based): chr4:105,235,780, G>A. VCF-style: chr4-105235780-G-A. GRCh37 (hg19) VCF-style: chr4-106156937-G-A.
Other names: c.1838G>A, p.Gly613Glu (NM_017628.4); short protein forms G613E.
Identifiers: ClinVar variation 3967692 (VCV003967692.1).
Genomic context (GRCh38, chr4:105,235,780, plus strand): 5'-AACCCAATCTCTCCAATCAAATGACCTCCAAACAATACACTGGAAATTCCAACATGCCTG[G>A]GGGGCTCCCAAGGCAAGCTTACACCCAGAAAACAACACAGCTGGAGCACAAGTCACAAAT-3'
Protein context (NP_001120680.1, residues 603-623): KQYTGNSNMP[Gly613Glu]GLPRQAYTQK